The following is an entry in ClinVar:

NM_000518.5(HBB):c.323G>A (p.Gly108Asp)

Genes: HBB (hemoglobin subunit beta; minus strand), LOC107133510 (origin of replication at HBB; plus strand), LOC110006319 (beta-globin gene 3' regulatory region; plus strand). Cytogenetic location: 11p15.4.
Variant type: single nucleotide variant.
Coding change: c.323G>A on transcript NM_000518.5 (MANE Select); coding-DNA position 323, G replaced by A.
Protein change: p.Gly108Asp; replaces glycine 108 with aspartic acid.
Molecular consequence: missense variant.
Genome position (GRCh38, 1-based): chr11:5,225,719, C>T on the plus strand (G>A on the coding strand, the complement: HBB is on the minus strand). VCF-style: chr11-5225719-C-T. GRCh37 (hg19) VCF-style: chr11-5246949-C-T.
Other names: short protein forms G108D.
Identifiers: ClinVar variation 2735520 (VCV002735520.3), dbSNP rs35519485, ClinGen allele CA217112823.

ClinVar aggregate classification (germline): Likely pathogenic. Review status: criteria provided, multiple submitters, no conflicts (2 of 4 stars). 2 submissions from 2 submitters: Likely pathogenic (2). Last evaluated 2025-08-04.

Conditions:
beta Thalassemia (BTHAL). Also called: Cooley's anemia; Erythroblastic anemia; Mediterranean anemia. Identifiers: Orphanet 848, MedGen C0005283, MONDO:0019402. Disease mechanism: loss of function.

Submissions (2):

Natera, Inc.
Classification: Likely pathogenic for Beta thalassemia. Last evaluated: 2025-08-04. Review status: criteria provided, single submitter. Criteria: Natera Variant Classification Schema (03/2026). Collection method: clinical testing. Allele origin: germline.
Comment: The c.323G>A variant in HBB is a missense variant predicted to cause substitution of glycine to aspartic acid at amino acid 108. This variant is rare in the general population with a frequency below the threshold expected for the associated phenotype(s). This variant has been observed in one or more individuals affected with the associated recessive disease, as either homozygous or compound heterozygous with a second variant (PMID: 7668221, 16987796, 34850464). Additionally, this variant has been observed to segregate in affected family members (PMID: 16987796). Computational prediction algorithms indicate this variant is likely to affect gene or protein function. Given the available evidence, this variant is classified as Likely Pathogenic.

Labcorp Genetics (formerly Invitae), Labcorp
Classification: Likely pathogenic. Last evaluated: 2023-06-16. Review status: criteria provided, single submitter. Criteria: Invitae Variant Classification Sherloc (09022015). Collection method: clinical testing. Allele origin: germline.
Comment: This missense change has been observed in individual(s) with beta-thalassemia intermedia (PMID: 7668221, 16987796). In at least one individual the data is consistent with being in trans (on the opposite chromosome) from a pathogenic variant. It has also been observed to segregate with disease in related individuals. This variant is not present in population databases (gnomAD no frequency). This sequence change replaces glycine, which is neutral and non-polar, with aspartic acid, which is acidic and polar, at codon 108 of the HBB protein (p.Gly108Asp). This variant is also known as Hb Lulu Island or beta107(G9)Gly -> Asp. In summary, the currently available evidence indicates that the variant is pathogenic, but additional data are needed to prove that conclusively. Therefore, this variant has been classified as Likely Pathogenic. Advanced modeling of protein sequence and biophysical properties (such as structural, functional, and spatial information, amino acid conservation, physicochemical variation, residue mobility, and thermodynamic stability) has been performed at Invitae for this missense variant, however the output from this modeling did not meet the statistical confidence thresholds required to predict the impact of this variant on HBB protein function.

Literature cited by the submitters: PubMed 7668221 (cited by Natera, Inc. and Labcorp Genetics (formerly Invitae), Labcorp); PubMed 16987796 (cited by Natera, Inc. and Labcorp Genetics (formerly Invitae), Labcorp); PubMed 34850464 (cited by Natera, Inc.).